The following is an entry in ClinVar:

ClinVar aggregate classification (germline): Likely pathogenic (1 of 4 stars; one submission).

Conditions:
Cohen syndrome (COH1). Also called: PEPPER SYNDROME; Cutis verticis gyrata, retinitis pigmentosa, and sensorineural deafness. Identifiers: Orphanet 193, MedGen C0265223, MONDO:0008999, OMIM 216550.

Submission:

Labcorp Genetics (formerly Invitae), Labcorp
Classification: Likely pathogenic for Cohen syndrome. Last evaluated: 2023-08-11. Review status: criteria provided, single submitter. Criteria: Invitae Variant Classification Sherloc (09022015). Collection method: clinical testing. Allele origin: germline.
Comment: Algorithms developed to predict the effect of sequence changes on RNA splicing suggest that this variant may disrupt the consensus splice site. In summary, the currently available evidence indicates that the variant is pathogenic, but additional data are needed to prove that conclusively. Therefore, this variant has been classified as Likely Pathogenic. This variant has not been reported in the literature in individuals affected with VPS13B-related conditions. This sequence change affects an acceptor splice site in intron 15 of the VPS13B gene. It is expected to disrupt RNA splicing. Variants that disrupt the donor or acceptor splice site typically lead to a loss of protein function (PMID: 16199547), and loss-of-function variants in VPS13B are known to be pathogenic (PMID: 15141358, 16648375, 20461111). This variant is not present in population databases (gnomAD no frequency).

Literature cited by the submitters: PubMed 16199547; PubMed 15141358; PubMed 16648375; PubMed 20461111.

NM_152564.5(VPS13B):c.2209-2A>G

Gene: VPS13B (vacuolar protein sorting 13 homolog B; plus strand). Cytogenetic location: 8q22.2.
Variant type: single nucleotide variant.
Coding change: c.2209-2A>G on transcript NM_152564.5 (MANE Select); the canonical splice acceptor site of the intron before coding-DNA position 2209, A replaced by G.
Molecular consequence: splice acceptor variant.
Genome position (GRCh38, 1-based): chr8:99,170,037, A>G. VCF-style: chr8-99170037-A-G. GRCh37 (hg19) VCF-style: chr8-100182265-A-G.
Other names: c.2209-2A>G (NM_017890.5, NM_015243.3).
Identifiers: ClinVar variation 2752240 (VCV002752240.3), dbSNP rs2488877268, ClinGen allele CA371865281.
Genomic context (GRCh38, chr8:99,170,037, plus strand): 5'-TCATCCTGTGCTTATTAAAACTTTGTCTGTGTGAACACTTGCATCTTTTCTTTTTGTTTT[A>G]GATATTTGGTTTCCAGGCAGGACTGACGTCTTTGGATTGCAGTGGATCTTACTGCTTACC-3'